The following is an entry in ClinVar:

NM_020184.4(CNNM4):c.71C>T (p.Pro24Leu)

Gene: CNNM4 (cyclin and CBS domain divalent metal cation transport mediator 4; plus strand). Cytogenetic location: 2q11.2.
Variant type: single nucleotide variant.
Coding change: c.71C>T on transcript NM_020184.4 (MANE Select); coding-DNA position 71, C replaced by T.
Protein change: p.Pro24Leu; replaces proline 24 with leucine.
Molecular consequence: missense variant.
Genome position (GRCh38, 1-based): chr2:96,761,070, C>T. VCF-style: chr2-96761070-C-T. GRCh37 (hg19) VCF-style: chr2-97426807-C-T.
Other names: short protein forms P24L.
Identifiers: ClinVar variation 1445304 (VCV001445304.8), dbSNP rs771910068, ClinGen allele CA347710666.
Genomic context (GRCh38, chr2:96,761,070, plus strand): 5'-TGGGCGGGGGCGGGCGCCCGGTCGGCGGACCGGCCCGCGGGCGCCTCCTCCTGGCGGCGC[C>T]GGTGCTGCTGGTGCTGCTGTGGGCGCTGGGGGCCCGGGGCCAGGGCAGCCCCCAGCAGGG-3'
Protein context (NP_064569.3, residues 14-34): PARGRLLLAA[Pro24Leu]VLLVLLWALG

ClinVar aggregate classification (germline): Uncertain significance (1 of 4 stars; one submission).

Submission:

Labcorp Genetics (formerly Invitae), Labcorp
Classification: Uncertain significance. Last evaluated: 2022-07-19. Review status: criteria provided, single submitter. Criteria: Invitae Variant Classification Sherloc (09022015). Collection method: clinical testing. Allele origin: germline.
Comment: In summary, the available evidence is currently insufficient to determine the role of this variant in disease. Therefore, it has been classified as a Variant of Uncertain Significance. Algorithms developed to predict the effect of missense changes on protein structure and function output the following: SIFT: "Tolerated"; PolyPhen-2: "Benign"; Align-GVGD: "Class C0". The leucine amino acid residue is found in multiple mammalian species, which suggests that this missense change does not adversely affect protein function. ClinVar contains an entry for this variant (Variation ID: 1445304). This variant has not been reported in the literature in individuals affected with CNNM4-related conditions. This variant is not present in population databases (gnomAD no frequency). This sequence change replaces proline, which is neutral and non-polar, with leucine, which is neutral and non-polar, at codon 24 of the CNNM4 protein (p.Pro24Leu).